The following is an entry in ClinVar:

ClinVar aggregate classification (germline): Uncertain significance (1 of 4 stars; one submission).

Conditions:
Inborn genetic diseases. Identifiers: MedGen C0950123, MeSH D030342.

Submission:

Ambry Genetics
Classification: Uncertain significance for Inborn genetic diseases. Last evaluated: 2025-08-14. Review status: criteria provided, single submitter. Criteria: Ambry Variant Classification Scheme 2023. Collection method: clinical testing. Allele origin: germline.
Comment: The p.A570S variant (also known as c.1708G>T), located in coding exon 1 of the SAMD9L gene, results from a G to T substitution at nucleotide position 1708. The alanine at codon 570 is replaced by serine, an amino acid with similar properties. This amino acid position is conserved. In addition, this alteration is predicted to be tolerated by in silico analysis. Based on the available evidence, the clinical significance of this variant remains unclear.

NM_152703.5(SAMD9L):c.1708G>T (p.Ala570Ser)

Gene: SAMD9L (sterile alpha motif domain containing 9 like; minus strand). Cytogenetic location: 7q21.2.
Variant type: single nucleotide variant.
Coding change: c.1708G>T on transcript NM_152703.5 (MANE Select); coding-DNA position 1708, G replaced by T.
Protein change: p.Ala570Ser; replaces alanine 570 with serine.
Molecular consequence: missense variant.
Genome position (GRCh38, 1-based): chr7:93,134,264, C>A on the plus strand (G>T on the coding strand, the complement: SAMD9L is on the minus strand). VCF-style: chr7-93134264-C-A. GRCh37 (hg19) VCF-style: chr7-92763577-C-A.
Other names: c.1708G>T, p.Ala570Ser (NM_001303496.3, NM_001303497.3, NM_001303498.3 and 5 more transcripts); short protein forms A570S.
Identifiers: ClinVar variation 4159402 (VCV004159402.1).